The following is an entry in ClinVar:

NM_172364.5(CACNA2D4):c.3226+1A>G

Gene: CACNA2D4 (calcium voltage-gated channel auxiliary subunit alpha2delta 4; minus strand). Cytogenetic location: 12p13.33.
Variant type: single nucleotide variant.
Coding change: c.3226+1A>G on transcript NM_172364.5 (MANE Select); the canonical splice donor site of the intron after coding-DNA position 3226, A replaced by G.
Molecular consequence: splice donor variant.
Genome position (GRCh38, 1-based): chr12:1,795,667, T>C on the plus strand (A>G on the coding strand, the complement: CACNA2D4 is on the minus strand). VCF-style: chr12-1795667-T-C. GRCh37 (hg19) VCF-style: chr12-1904833-T-C.
Identifiers: ClinVar variation 1447663 (VCV001447663.7), dbSNP rs368458336, ClinGen allele CA6386032.
Genomic context (GRCh38, chr12:1,795,667, plus strand): 5'-CTACAGACACCTCCTACAGCCCCCGCCCCCACCGCACACATCCCCGAGCATTGCAGGATA[T>C]ATTTGACTTCTGTCGCCTCCTGCAGCACTGGTGGGAAGATGCTGCAGTCACAGGTGGGGT-3'

ClinVar aggregate classification (germline): Uncertain significance. Review status: criteria provided, multiple submitters, no conflicts (2 of 4 stars). 2 submissions from 2 submitters: Uncertain significance (2). Last evaluated 2022-08-23.

Allele frequency attached by ClinVar (database versions not stated): gnomAD exomes below 0.00001; ExAC 0.00001; TOPMed 0.00001; ESP Exome Variant Server 0.00008.
gnomAD v4.1: 7 of 1,588,238 alleles (0.00044%); highest among the groups gnomAD compares: South Asian, 0.0066%; no homozygotes.

Submissions (2):

Blueprint Genetics
Classification: Uncertain significance. Last evaluated: 2022-08-23. Review status: criteria provided, single submitter. Criteria: ACMG Guidelines, 2015. Collection method: clinical testing. Allele origin: germline.

Labcorp Genetics (formerly Invitae), Labcorp
Classification: Uncertain significance. Last evaluated: 2021-07-07. Review status: criteria provided, single submitter. Criteria: Invitae Variant Classification Sherloc (09022015). Collection method: clinical testing. Allele origin: germline.
Comment: In summary, the available evidence is currently insufficient to determine the role of this variant in disease. Therefore, it has been classified as a Variant of Uncertain Significance. Nucleotide substitutions within the consensus splice site are a relatively common cause of aberrant splicing (PMID: 17576681, 9536098). Algorithms developed to predict the effect of sequence changes on RNA splicing suggest that this variant may create or strengthen a splice site. This variant has not been reported in the literature in individuals affected with CACNA2D4-related conditions. This variant is present in population databases (rs368458336, ExAC 0.002%). This sequence change falls in intron 36 of the CACNA2D4 gene. It does not directly change the encoded amino acid sequence of the CACNA2D4 protein. It affects a nucleotide within the consensus splice site of the intron.

Literature cited by the submitters: PubMed 17576681 (cited by Labcorp Genetics (formerly Invitae), Labcorp); PubMed 9536098 (cited by Labcorp Genetics (formerly Invitae), Labcorp).